The following is an entry in ClinVar:

ClinVar aggregate classification (germline): Uncertain significance (1 of 4 stars; one submission).

Submission:

Labcorp Genetics (formerly Invitae), Labcorp
Classification: Uncertain significance. Last evaluated: 2022-03-11. Review status: criteria provided, single submitter. Criteria: Invitae Variant Classification Sherloc (09022015). Collection method: clinical testing. Allele origin: germline.
Comment: In summary, the available evidence is currently insufficient to determine the role of this variant in disease. Therefore, it has been classified as a Variant of Uncertain Significance. This variant has not been reported in the literature in individuals affected with MYLK3-related conditions. This variant is not present in population databases (gnomAD no frequency). This sequence change creates a premature translational stop signal (p.Leu615Hisfs*6) in the MYLK3 gene. It is expected to result in an absent or disrupted protein product. However, the current clinical and genetic evidence is not sufficient to establish whether loss-of-function variants in MYLK3 cause disease.

NM_182493.3(MYLK3):c.1842_1846del (p.Leu615fs)

Gene: MYLK3 (myosin light chain kinase 3; minus strand). Cytogenetic location: 16q11.2.
Variant type: Deletion.
Coding change: c.1842_1846del on transcript NM_182493.3 (MANE Select); coding-DNA positions 1842 to 1846, 5 bases deleted (CCTGT; older notation c.1842_1846delCCTGT).
Protein change: p.Leu615fs; shifts the reading frame from leucine 615.
Molecular consequence: frameshift variant.
Genome position (GRCh38, 1-based): chr16:46,727,304-46,727,308, ACAGG deleted on the plus strand (CCTGT on the coding strand, the reverse complement: MYLK3 is on the minus strand); deleting any 5 consecutive bases within chr16:46,727,304-46,727,310 gives the same sequence; the c. name uses the placement nearest the transcript's 3' end. VCF-style (leftmost placement, unchanged base first): chr16-46727303-AACAGG-A. GRCh37 (hg19) VCF-style: chr16-46761215-AACAGG-A.
Other names: c.819_823del, p.Leu274fs (NM_001308301.1); short protein forms L615fs, L274fs.
Identifiers: ClinVar variation 2108687 (VCV002108687.4), dbSNP rs2548903726, ClinGen allele CA2580091621.